The following is an entry in ClinVar:

ClinVar aggregate classification (germline): Likely pathogenic (1 of 4 stars; one submission).

Conditions:
Hypokalemic periodic paralysis, type 1. Also called: Hypokalemic Periodic Paralysis Type 1 (AD); HypoPP. Identifiers: Orphanet 681, MedGen C3714580, MONDO:0042979, OMIM 170400.
Malignant hyperthermia, susceptibility to, 5 (MHS5). Also called: CACNA1S-Related Malignant Hyperthermia Susceptibility. Identifiers: Orphanet 423, MedGen C1866077, MONDO:0011163, OMIM 601887.

gnomAD v4.1: 1 of 1,612,272 alleles (0.000062%); highest among the groups gnomAD compares: African/African-American, 0.0013%; no homozygotes.

Submission:

Labcorp Genetics (formerly Invitae), Labcorp
Classification: Likely pathogenic for Hypokalemic periodic paralysis, type 1; Malignant hyperthermia, susceptibility to, 5. Last evaluated: 2024-10-17. Review status: criteria provided, single submitter. Criteria: Invitae Variant Classification Sherloc (09022015). Collection method: clinical testing. Allele origin: germline.
Comment: This sequence change affects a donor splice site in intron 35 of the CACNA1S gene. It is expected to disrupt RNA splicing. Variants that disrupt the donor or acceptor splice site typically lead to a loss of protein function (PMID: 16199547), and loss-of-function variants in CACNA1S are known to be pathogenic (PMID: 26247046, 28012042). This variant is not present in population databases (gnomAD no frequency). This variant has not been reported in the literature in individuals affected with CACNA1S-related conditions. Algorithms developed to predict the effect of sequence changes on RNA splicing suggest that this variant may disrupt the consensus splice site. In summary, the currently available evidence indicates that the variant is pathogenic, but additional data are needed to prove that conclusively. Therefore, this variant has been classified as Likely Pathogenic.

Literature cited by the submitters: PubMed 16199547; PubMed 26247046; PubMed 28012042.

NM_000069.3(CACNA1S):c.4338+1G>A

Gene: CACNA1S (calcium voltage-gated channel subunit alpha1 S; minus strand). Cytogenetic location: 1q32.1.
Variant type: single nucleotide variant.
Coding change: c.4338+1G>A on transcript NM_000069.3 (MANE Select); the canonical splice donor site of the intron after coding-DNA position 4338, G replaced by A.
Molecular consequence: splice donor variant.
Genome position (GRCh38, 1-based): chr1:201,049,002, C>T on the plus strand (G>A on the coding strand, the complement: CACNA1S is on the minus strand). VCF-style: chr1-201049002-C-T. GRCh37 (hg19) VCF-style: chr1-201018130-C-T.
Identifiers: ClinVar variation 3762388 (VCV003762388.2).